The following is an entry in ClinVar:

NM_024741.3(ZNF408):c.1823G>A (p.Arg608His)

Gene: ZNF408 (zinc finger protein 408; plus strand). Cytogenetic location: 11p11.2.
Variant type: single nucleotide variant.
Coding change: c.1823G>A on transcript NM_024741.3 (MANE Select); coding-DNA position 1823, G replaced by A.
Protein change: p.Arg608His; replaces arginine 608 with histidine.
Molecular consequence: missense variant.
Genome position (GRCh38, 1-based): chr11:46,705,523, G>A. VCF-style: chr11-46705523-G-A. GRCh37 (hg19) VCF-style: chr11-46727073-G-A.
Other names: c.1799G>A, p.Arg600His (NM_001184751.2); short protein forms R608H, R600H.
Identifiers: ClinVar variation 1462709 (VCV001462709.6), dbSNP rs763950014, ClinGen allele CA5966649.

ClinVar aggregate classification (germline): Uncertain significance (1 of 4 stars; one submission).

Allele frequency attached by ClinVar (database versions not stated): TOPMed below 0.00001; ExAC 0.00001; gnomAD 0.00001; gnomAD exomes 0.00001.
gnomAD v4.1: 15 of 1,604,528 alleles (0.00093%); highest among the groups gnomAD compares: East Asian, 0.0022%; no homozygotes.

Submission:

Labcorp Genetics (formerly Invitae), Labcorp
Classification: Uncertain significance. Last evaluated: 2022-10-13. Review status: criteria provided, single submitter. Criteria: Invitae Variant Classification Sherloc (09022015). Collection method: clinical testing. Allele origin: germline.
Comment: This sequence change replaces arginine, which is basic and polar, with histidine, which is basic and polar, at codon 608 of the ZNF408 protein (p.Arg608His). This variant is present in population databases (rs763950014, gnomAD 0.006%). This variant has not been reported in the literature in individuals affected with ZNF408-related conditions. ClinVar contains an entry for this variant (Variation ID: 1462709). Algorithms developed to predict the effect of missense changes on protein structure and function are either unavailable or do not agree on the potential impact of this missense change (SIFT: "Tolerated"; PolyPhen-2: "Probably Damaging"; Align-GVGD: "Class C0"). In summary, the available evidence is currently insufficient to determine the role of this variant in disease. Therefore, it has been classified as a Variant of Uncertain Significance.